The following is an entry in ClinVar:

ClinVar aggregate classification (germline): Uncertain significance (1 of 4 stars; one submission).

Conditions:
Hereditary insensitivity to pain with anhidrosis (CIPA). Also called: hereditary sensory and autonomic neuropathy type 4; NEUROPATHY, CONGENITAL SENSORY, WITH ANHIDROSIS; FAMILIAL DYSAUTONOMIA, TYPE II; INSENSITIVITY TO PAIN, CONGENITAL, WITH ANHIDROSIS; HSAN Type IV; NTRK1 Congenital Insensitivity to Pain with Anhidrosis. Identifiers: Orphanet 642, MedGen C0020074, MONDO:0009746, OMIM 256800.

Allele frequency attached by ClinVar (database versions not stated): gnomAD exomes below 0.00001; gnomAD 0.00001; TOPMed 0.00001; ExAC 0.00002; ESP Exome Variant Server 0.00008.
gnomAD v4.1: 3 of 1,613,966 alleles (0.00019%); highest among the groups gnomAD compares: African/African-American, 0.0013%; no homozygotes.

Submission:

Labcorp Genetics (formerly Invitae), Labcorp
Classification: Uncertain significance for Hereditary insensitivity to pain with anhidrosis. Last evaluated: 2024-02-05. Review status: criteria provided, single submitter. Criteria: Invitae Variant Classification Sherloc (09022015). Collection method: clinical testing. Allele origin: germline.
Comment: This sequence change replaces glycine, which is neutral and non-polar, with arginine, which is basic and polar, at codon 91 of the NTRK1 protein (p.Gly91Arg). This variant is present in population databases (rs149646444, gnomAD 0.01%). This variant has not been reported in the literature in individuals affected with NTRK1-related conditions. ClinVar contains an entry for this variant (Variation ID: 1942499). Algorithms developed to predict the effect of missense changes on protein structure and function output the following: SIFT: "Not Available"; PolyPhen-2: "Benign"; Align-GVGD: "Not Available". The arginine amino acid residue is found in multiple mammalian species, which suggests that this missense change does not adversely affect protein function. In summary, the available evidence is currently insufficient to determine the role of this variant in disease. Therefore, it has been classified as a Variant of Uncertain Significance.

NM_002529.4(NTRK1):c.271G>C (p.Gly91Arg)

Gene: NTRK1 (neurotrophic receptor tyrosine kinase 1; plus strand). Cytogenetic location: 1q23.1.
Variant type: single nucleotide variant.
Coding change: c.271G>C on transcript NM_002529.4 (MANE Select); coding-DNA position 271, G replaced by C.
Protein change: p.Gly91Arg; replaces glycine 91 with arginine.
Molecular consequence: missense variant.
Genome position (GRCh38, 1-based): chr1:156,864,412, G>C. VCF-style: chr1-156864412-G-C. GRCh37 (hg19) VCF-style: chr1-156834204-G-C.
Other names: c.271G>C, p.Gly91Arg (NM_001007204.1, NM_001012331.2); c.181G>C, p.Gly61Arg (NM_001007792.1); short protein forms G91R, G61R.
Identifiers: ClinVar variation 1942499 (VCV001942499.4), dbSNP rs149646444, ClinGen allele CA1168873.